The following is an entry in ClinVar:

NM_001040436.3(YARS2):c.707A>G (p.Tyr236Cys)

Gene: YARS2 (tyrosyl-tRNA synthetase 2; minus strand). Cytogenetic location: 12p11.21.
Variant type: single nucleotide variant.
Coding change: c.707A>G on transcript NM_001040436.3 (MANE Select); coding-DNA position 707, A replaced by G.
Protein change: p.Tyr236Cys; replaces tyrosine 236 with cysteine.
Molecular consequence: missense variant.
Genome position (GRCh38, 1-based): chr12:32,755,168, T>C on the plus strand (A>G on the coding strand, the complement: YARS2 is on the minus strand). VCF-style: chr12-32755168-T-C. GRCh37 (hg19) VCF-style: chr12-32908102-T-C.
Other names: short protein forms Y236C.
Identifiers: ClinVar variation 1305446 (VCV001305446.2), dbSNP rs1489165874, ClinGen allele CA384373330.
Genomic context (GRCh38, chr12:32,755,168, plus strand): 5'-TCATATCCGGACATGATGTTGCCTAGTTGATCAGATCCGCCCAGCTGGACCCTGCATCCA[T>C]AACGCTGGAAGAGGTAATAGAAGTCATAGGCCTGGAGCACCTGGTAAAAGAACTCGGCCA-3'
Protein context (NP_001035526.1, residues 226-246): AYDFYYLFQR[Tyr236Cys]GCRVQLGGSD

ClinVar aggregate classification (germline): Uncertain significance (1 of 4 stars; one submission).

Allele frequency attached by ClinVar (database versions not stated): gnomAD exomes below 0.00001 and 0.00001; gnomAD 0.00001.
gnomAD v4.1: 6 of 1,614,076 alleles (0.00037%); highest among the groups gnomAD compares: South Asian, 0.0055%; no homozygotes.

Submission:

GeneDx
Classification: Uncertain significance. Last evaluated: 2019-11-29. Review status: criteria provided, single submitter. Criteria: GeneDx Variant Classification Process June 2021. Collection method: clinical testing. Allele origin: germline. Affected: yes.
Comment: Reported in one family from a cohort of patients with sideroblastic anemia. Both the proband and the asymptomatic twin sibling also carried a nonsense variant in the YARS2 gene (Riley et al., 2018); This variant is associated with the following publications: (PMID: 30026338)